The following is an entry in ClinVar:

NC_000012.11:g.(?_42853611)_(42866318_?)del

Gene: PRICKLE1 (prickle planar cell polarity protein 1; minus strand). Cytogenetic location: 12q12.
Variant type: Deletion.
Identifiers: ClinVar variation 1446203 (VCV001446203.4).

ClinVar aggregate classification (germline): Uncertain significance (1 of 4 stars; one submission).

Conditions:
Epilepsy, progressive myoclonic, 1B. Also called: PME. Identifiers: Orphanet 308, MedGen C2676254, MONDO:0012904, OMIM 612437.

Submission:

Labcorp Genetics (formerly Invitae), Labcorp
Classification: Uncertain significance for Epilepsy, progressive myoclonic, 1B. Last evaluated: 2020-12-20. Review status: criteria provided, single submitter. Criteria: Invitae Variant Classification Sherloc (09022015). Collection method: clinical testing. Allele origin: germline.
Comment: In summary, the available evidence is currently insufficient to determine the role of this variant in disease. Therefore, it has been classified as a Variant of Uncertain Significance. This variant has not been reported in the literature in individuals with PRICKLE1-related conditions. A gross deletion of the genomic region encompassing the full coding sequence of the PRICKLE1 gene has been identified. The current clinical and genetic evidence is not sufficient to establish whether loss-of-function variants in PRICKLE1 cause disease. The boundaries of this event are unknown as they extend beyond the assayed region for this gene and therefore may encompass additional genes.